The following is an entry in ClinVar:

NM_001365951.3(KIF1B):c.3658T>C (p.Phe1220Leu)

Gene: KIF1B (kinesin family member 1B; plus strand). Cytogenetic location: 1p36.22.
Variant type: single nucleotide variant.
Coding change: c.3658T>C on transcript NM_001365951.3 (MANE Select); coding-DNA position 3658, T replaced by C.
Protein change: p.Phe1220Leu; replaces phenylalanine 1220 with leucine.
Molecular consequence: missense variant.
Genome position (GRCh38, 1-based): chr1:10,343,257, T>C. VCF-style: chr1-10343257-T-C. GRCh37 (hg19) VCF-style: chr1-10403315-T-C.
Other names: c.3658T>C, p.Phe1220Leu (NM_001365952.1); c.3520T>C, p.Phe1174Leu (NM_015074.3); short protein forms F1220L, F1174L.
Identifiers: ClinVar variation 2497116 (VCV002497116.3), dbSNP rs2521760508, ClinGen allele CA338342108.

ClinVar aggregate classification (germline): Uncertain significance (1 of 4 stars; one submission).

Submission:

Ambry Genetics
Classification: Uncertain significance. Last evaluated: 2025-05-31. Review status: criteria provided, single submitter. Criteria: Ambry Variant Classification Scheme 2023. Collection method: clinical testing. Allele origin: germline.
Comment: The p.F1174L variant (also known as c.3520T>C), located in coding exon 31 of the KIF1B gene, results from a T to C substitution at nucleotide position 3520. The phenylalanine at codon 1174 is replaced by leucine, an amino acid with highly similar properties. This amino acid position is well conserved in available vertebrate species. In addition, the in silico prediction for this alteration is inconclusive. The evidence for this gene-disease relationship is limited; therefore, the clinical significance of this alteration is unclear.